The following is an entry in ClinVar:

ClinVar aggregate classification (germline): Conflicting classifications of pathogenicity. Review status: criteria provided, conflicting classifications (1 of 4 stars). 3 submissions from 3 submitters: Likely pathogenic (2); Uncertain significance (1). Last evaluated 2026-08-31.

Conditions:
Ataxia-telangiectasia syndrome (AT). Also called: Ataxia-telangiectasia, complementation group E; LOUIS-BAR SYNDROME; Ataxia-telangiectasia, complementation group D; AT, COMPLEMENTATION GROUP C; ATAXIA-TELANGIECTASIA, COMPLEMENTATION GROUP A; ATAXIA-TELANGIECTASIA, FRESNO VARIANT. Identifiers: Orphanet 100, MedGen C0004135, MONDO:0008840, OMIM 208900.
Familial cancer of breast. Also called: hereditary breast carcinoma; BREAST CANCER, FAMILIAL; Hereditary breast cancer. Identifiers: Orphanet 227535, MedGen C0346153, MONDO:0016419, OMIM 114480. Disease mechanism: loss of function.
Hereditary cancer-predisposing syndrome. Also called: Hereditary neoplastic syndrome; Neoplastic Syndromes, Hereditary; Tumor predisposition; Hereditary Cancer Syndrome. Identifiers: Orphanet 140162, MedGen C0027672, MeSH D009386, MONDO:0015356.

Submissions (3):

Myriad Genetics, Inc.
Classification: Likely pathogenic for Familial cancer of breast. Last evaluated: 2026-08-31. Review status: criteria provided, single submitter. Criteria: Myriad Autosomal Dominant, Autosomal Recessive and X-Linked Classification Criteria (2023). Collection method: clinical testing. Allele origin: unknown.
Comment: This variant is considered likely pathogenic. mRNA analysis has demonstrated abnormal mRNA splicing occurs [Myriad internal data]. This variant has been reported in multiple individuals with clinical features of gene-specific disease [PMID: 9792409, 29489040, 34298181].

Ambry Genetics
Classification: Likely pathogenic for Hereditary cancer-predisposing syndrome. Last evaluated: 2024-08-15. Review status: criteria provided, single submitter. Criteria: Ambry Variant Classification Scheme 2023. Collection method: clinical testing. Allele origin: germline.
Comment: The c.2376G>A variant (also known as p.K792K), located in coding exon 14 of the ATM gene, results from a G to A substitution at nucleotide position 2376. This nucleotide substitution does not change the lysine at codon 792. However, this change occurs in the last base pair of coding exon 14, which makes it likely to have some effect on normal mRNA splicing. Protein truncation testing performed on cDNA isolated from this patient's fibroblasts identified a truncated protein that was consistent with an in-frame deletion of a single exon in the HEAT-REPEAT domain (Broeks A et al. Hum Mutat. 1998;12(5):330-7). This nucleotide position is highly conserved in available vertebrate species. In silico splice site analysis predicts that this alteration will weaken the native splice donor site. RNA studies have demonstrated that this alteration results in abnormal splicing in the set of samples tested (Ambry internal data). Based on the majority of available evidence to date, this variant is likely to be pathogenic.

Labcorp Genetics (formerly Invitae), Labcorp
Classification: Uncertain significance for Ataxia-telangiectasia syndrome. Last evaluated: 2020-12-24. Review status: criteria provided, single submitter. Criteria: Invitae Variant Classification Sherloc (09022015). Collection method: clinical testing. Allele origin: germline.
Comment: Nucleotide substitutions within the consensus splice site are a relatively common cause of aberrant splicing (PMID: 17576681, 9536098). Algorithms developed to predict the effect of sequence changes on RNA splicing suggest that this variant may disrupt the consensus splice site, but this prediction has not been confirmed by published transcriptional studies. This sequence change affects codon 792 of the ATM mRNA. It is a 'silent' change, meaning that it does not change the encoded amino acid sequence of the ATM protein. This variant also falls at the last nucleotide of exon 15, which is part of the consensus splice site for this exon. This variant is not present in population databases (ExAC no frequency). This variant has been observed in individual(s) with ataxia-telangiectasia (PMID: 9792409). ClinVar contains an entry for this variant (Variation ID: 821182). In summary, the available evidence is currently insufficient to determine the role of this variant in disease. Therefore, it has been classified as a Variant of Uncertain Significance.

Literature cited by the submitters: PubMed 9792409 (cited by Myriad Genetics, Inc. and Labcorp Genetics (formerly Invitae), Labcorp); PubMed 29489040 (cited by Myriad Genetics, Inc.); PubMed 34298181 (cited by Myriad Genetics, Inc.); PubMed 17576681 (cited by Labcorp Genetics (formerly Invitae), Labcorp); PubMed 9536098 (cited by Labcorp Genetics (formerly Invitae), Labcorp).

NM_000051.4(ATM):c.2376G>A (p.Lys792=)

Gene: ATM (ATM serine/threonine kinase; plus strand). Cytogenetic location: 11q22.3.
Variant type: single nucleotide variant.
Coding change: c.2376G>A on transcript NM_000051.4 (MANE Select); coding-DNA position 2376, G replaced by A.
Protein change: p.Lys792=; no amino-acid change (lysine 792 retained).
Molecular consequence: synonymous variant.
Genome position (GRCh38, 1-based): chr11:108,257,606, G>A. VCF-style: chr11-108257606-G-A. GRCh37 (hg19) VCF-style: chr11-108128333-G-A.
Other names: c.2376G>A, p.Lys792= (NM_001351834.2).
Identifiers: ClinVar variation 821182 (VCV000821182.13), dbSNP rs754267376, ClinGen allele CA476672779.